The following is an entry in ClinVar:

ClinVar aggregate classification (germline): Uncertain significance. Review status: criteria provided, multiple submitters, no conflicts (2 of 4 stars). 2 submissions from 2 submitters: Uncertain significance (2). Last evaluated 2025-06-18.

Conditions:
Epidermodysplasia verruciformis. Identifiers: Orphanet 302, MedGen C0014522, MONDO:0009176.
Inborn genetic diseases. Identifiers: MedGen C0950123, MeSH D030342.

Allele frequency attached by ClinVar (database versions not stated): ExAC 0.00001; gnomAD 0.00001; TOPMed 0.00002; gnomAD exomes 0.00004.
gnomAD v4.1: 62 of 1,613,876 alleles (0.0038%); highest among the groups gnomAD compares: Non-Finnish European, 0.0046%; no homozygotes.

Submissions (2):

Ambry Genetics
Classification: Uncertain significance for Inborn genetic diseases. Last evaluated: 2025-06-18. Review status: criteria provided, single submitter. Criteria: Ambry Variant Classification Scheme 2023. Collection method: clinical testing. Allele origin: germline.

Labcorp Genetics (formerly Invitae), Labcorp
Classification: Uncertain significance for Epidermodysplasia verruciformis. Last evaluated: 2022-02-02. Review status: criteria provided, single submitter. Criteria: Invitae Variant Classification Sherloc (09022015). Collection method: clinical testing. Allele origin: germline.
Comment: This sequence change replaces arginine, which is basic and polar, with tryptophan, which is neutral and slightly polar, at codon 583 of the TMC6 protein (p.Arg583Trp). This variant is present in population databases (rs770512733, gnomAD 0.004%). This variant has not been reported in the literature in individuals affected with TMC6-related conditions. Algorithms developed to predict the effect of missense changes on protein structure and function are either unavailable or do not agree on the potential impact of this missense change (SIFT: "Not Available"; PolyPhen-2: "Benign"; Align-GVGD: "Not Available"). In summary, the available evidence is currently insufficient to determine the role of this variant in disease. Therefore, it has been classified as a Variant of Uncertain Significance.

NM_001127198.5(TMC6):c.1747C>T (p.Arg583Trp)

Gene: TMC6 (transmembrane channel like 6; minus strand). Cytogenetic location: 17q25.3.
Variant type: single nucleotide variant.
Coding change: c.1747C>T on transcript NM_001127198.5 (MANE Select); coding-DNA position 1747, C replaced by T.
Protein change: p.Arg583Trp; replaces arginine 583 with tryptophan.
Molecular consequence: missense variant. On other transcripts: non-coding transcript variant (4).
Genome position (GRCh38, 1-based): chr17:78,119,361, G>A on the plus strand (C>T on the coding strand, the complement: TMC6 is on the minus strand). VCF-style: chr17-78119361-G-A. GRCh37 (hg19) VCF-style: chr17-76115442-G-A.
Other names: c.1747C>T, p.Arg583Trp (NM_001321185.1, NM_001374596.1, NM_001375353.1 and 2 more transcripts); c.1567C>T, p.Arg523Trp (NM_001374593.1, NM_001374594.1); short protein forms R583W, R523W.
Identifiers: ClinVar variation 2155297 (VCV002155297.2), dbSNP rs770512733, ClinGen allele CA8795580.